The following is an entry in ClinVar:

ClinVar aggregate classification (germline): Likely benign (1 of 4 stars; one submission).

Submission:

CeGaT Center for Human Genetics Tuebingen
Classification: Likely benign. Last evaluated: 2025-08-01. Review status: criteria provided, single submitter. Criteria: CeGaT Center For Human Genetics Tuebingen Variant Classification Criteria Version 2. Collection method: clinical testing. Allele origin: germline. Affected: yes. Observed: 1 variant allele.
Comment: CDH7: PM2:Supporting, BP4, BP7

NM_004361.5(CDH7):c.354C>T (p.Tyr118=)

Gene: CDH7 (cadherin 7; plus strand). Cytogenetic location: 18q22.1.
Variant type: single nucleotide variant.
Coding change: c.354C>T on transcript NM_004361.5 (MANE Select); coding-DNA position 354, C replaced by T.
Protein change: p.Tyr118=; no amino-acid change (tyrosine 118 retained).
Molecular consequence: synonymous variant.
Genome position (GRCh38, 1-based): chr18:65,809,847, C>T. VCF-style: chr18-65809847-C-T. GRCh37 (hg19) VCF-style: chr18-63477083-C-T.
Other names: c.354C>T, p.Tyr118= (NM_001317214.3, NM_001362438.2, NM_033646.4).
Identifiers: ClinVar variation 4085121 (VCV004085121.8).
Genomic context (GRCh38, chr18:65,809,847, plus strand): 5'-TGAGAACACTGGGGATATTCATGCCACCAAGAGACTGGATCGTGAGGAGCAGGCCTACTA[C>T]ACGCTCCGAGCTCAAGCGCTGGATAGGCTCACCAACAAACCCGTGGAGCCCGAGTCGGAG-3'
Protein context (NP_004352.2, residues 108-128): KRLDREEQAY[Tyr118=]TLRAQALDRL